The following is an entry in ClinVar:

NM_000552.5(VWF):c.7616A>T (p.Glu2539Val)

Gene: VWF (von Willebrand factor; minus strand). Cytogenetic location: 12p13.31.
Variant type: single nucleotide variant.
Coding change: c.7616A>T on transcript NM_000552.5 (MANE Select); coding-DNA position 7616, A replaced by T.
Protein change: p.Glu2539Val; replaces glutamic acid 2539 with valine.
Molecular consequence: missense variant.
Genome position (GRCh38, 1-based): chr12:5,969,324, T>A on the plus strand (A>T on the coding strand, the complement: VWF is on the minus strand). VCF-style: chr12-5969324-T-A. GRCh37 (hg19) VCF-style: chr12-6078490-T-A.
Other names: short protein forms E2539V.
Identifiers: ClinVar variation 2682129 (VCV002682129.1), dbSNP rs752865231, ClinGen allele CA383489438.

ClinVar aggregate classification (germline): Uncertain significance (1 of 4 stars; one submission).

Allele frequency attached by ClinVar (database versions not stated): TOPMed below 0.00001.
gnomAD v4.1: 3 of 1,614,150 alleles (0.00019%); highest among the groups gnomAD compares: Non-Finnish European, 0.00025%; no homozygotes.

Submission:

Quest Diagnostics Nichols Institute San Juan Capistrano
Classification: Uncertain significance. Last evaluated: 2023-07-25. Review status: criteria provided, single submitter. Criteria: Quest Diagnostics criteria. Collection method: clinical testing. Allele origin: unknown.
Comment: To the best of our knowledge, this variant has not been reported in the published literature. The frequency of this variant in the general population, 0.000004 (1/251462 chromosomes (Genome Aggregation Database)), is uninformative in the assessment of its pathogenicity. Analysis of this variant using bioinformatics tools for the prediction of the effect of amino acid changes on protein structure and function yielded conflicting predictions that this variant is deleterious or benign. Based on the available information, we are unable to determine the clinical significance of this variant.